The following is an entry in ClinVar:

NM_001351169.2(NT5C2):c.540-277A>T

Gene: NT5C2 (5'-nucleotidase, cytosolic II; minus strand). Cytogenetic location: 10q24.33.
Variant type: single nucleotide variant.
Coding change: c.540-277A>T on transcript NM_001351169.2 (MANE Select); 277 bases into the intron before coding-DNA position 540, A replaced by T.
Molecular consequence: intron variant.
Genome position (GRCh38, 1-based): chr10:103,100,296, T>A on the plus strand (A>T on the coding strand, the complement: NT5C2 is on the minus strand). VCF-style: chr10-103100296-T-A. GRCh37 (hg19) VCF-style: chr10-104860053-T-A.
Other names: c.453-277A>T (NM_001351174.1); c.-34-277A>T (NM_001351191.1, NM_001351192.1, NM_001351193.1 and 16 more transcripts); c.-216-277A>T (NM_001351194.2, NM_001351195.2, NM_001351196.2); c.540-277A>T (NM_001134373.3, NM_012229.5); c.564-277A>T (NM_001351170.2, NM_001351171.2, NM_001351172.2 and 1 more transcripts); c.447-277A>T (NM_001351175.2).
Identifiers: ClinVar variation 667538 (VCV000667538.1), dbSNP rs2274339, ClinGen allele CA15637349.

ClinVar aggregate classification (germline): Benign (1 of 4 stars; one submission).

Allele frequency attached by ClinVar (database versions not stated): 1000 Genomes Project 30x 0.26780; 1000 Genomes Project 0.26837; TOPMed 0.30988; gnomAD 0.31123 and 0.31603.
gnomAD v4.1: 47,360 of 152,094 alleles (31%); highest among the groups gnomAD compares: Middle Eastern, 36%; 7,506 homozygotes.

Submission:

GeneDx
Classification: Benign. Last evaluated: 2018-06-14. Review status: criteria provided, single submitter. Criteria: GeneDx Variant Classification (06012015). Collection method: clinical testing. Allele origin: germline. Affected: yes.
Comment: This variant is considered likely benign or benign based on one or more of the following criteria: it is a conservative change, it occurs at a poorly conserved position in the protein, it is predicted to be benign by multiple in silico algorithms, and/or has population frequency not consistent with disease.